The following is an entry in ClinVar:

ClinVar aggregate classification (germline): Uncertain significance. Review status: criteria provided, multiple submitters, no conflicts (2 of 4 stars). 2 submissions from 2 submitters: Uncertain significance (2). Last evaluated 2025-01-09.

Allele frequency attached by ClinVar (database versions not stated): gnomAD exomes below 0.00001; gnomAD 0.00001; TOPMed 0.00002.
gnomAD v4.1: 7 of 1,613,604 alleles (0.00043%); highest among the groups gnomAD compares: Admixed American, 0.01%; no homozygotes.

Submissions (2):

Ambry Genetics
Classification: Uncertain significance. Last evaluated: 2025-01-09. Review status: criteria provided, single submitter. Criteria: Ambry Variant Classification Scheme 2023. Collection method: clinical testing. Allele origin: germline.

Labcorp Genetics (formerly Invitae), Labcorp
Classification: Uncertain significance. Last evaluated: 2024-02-16. Review status: criteria provided, single submitter. Criteria: Invitae Variant Classification Sherloc (09022015). Collection method: clinical testing. Allele origin: germline.
Comment: This sequence change replaces histidine, which is basic and polar, with tyrosine, which is neutral and polar, at codon 614 of the NPAT protein (p.His614Tyr). This variant is present in population databases (no rsID available, gnomAD 0.009%). This variant has not been reported in the literature in individuals affected with NPAT-related conditions. ClinVar contains an entry for this variant (Variation ID: 1781151). An algorithm developed to predict the effect of missense changes on protein structure and function (PolyPhen-2) suggests that this variant is likely to be tolerated. In summary, the available evidence is currently insufficient to determine the role of this variant in disease. Therefore, it has been classified as a Variant of Uncertain Significance.

NM_002519.3(NPAT):c.1840C>T (p.His614Tyr)

Gene: NPAT (nuclear protein, coactivator of histone transcription; minus strand). Cytogenetic location: 11q22.3.
Variant type: single nucleotide variant.
Coding change: c.1840C>T on transcript NM_002519.3 (MANE Select); coding-DNA position 1840, C replaced by T.
Protein change: p.His614Tyr; replaces histidine 614 with tyrosine.
Molecular consequence: missense variant.
Genome position (GRCh38, 1-based): chr11:108,173,144, G>A on the plus strand (C>T on the coding strand, the complement: NPAT is on the minus strand). VCF-style: chr11-108173144-G-A. GRCh37 (hg19) VCF-style: chr11-108043871-G-A.
Other names: c.1840C>T, p.His614Tyr (NM_001321307.1); short protein forms H614Y.
Identifiers: ClinVar variation 1781151 (VCV001781151.6), dbSNP rs1180811005, ClinGen allele CA382514240.